The following is an entry in ClinVar:

ClinVar aggregate classification (germline): Uncertain significance. Review status: criteria provided, multiple submitters, no conflicts (2 of 4 stars). 2 submissions from 2 submitters: Uncertain significance (2). Last evaluated 2025-04-18.

Conditions:
CPE-related disorder. Also called: CPE-related condition.
Inborn genetic diseases. Identifiers: MedGen C0950123, MeSH D030342.

Submissions (2):

Ambry Genetics
Classification: Uncertain significance for Inborn genetic diseases. Last evaluated: 2025-04-18. Review status: criteria provided, single submitter. Criteria: Ambry Variant Classification Scheme 2023. Collection method: clinical testing. Allele origin: germline.

PreventionGenetics, part of Exact Sciences
Classification: Uncertain significance for CPE-related condition. Last evaluated: 2025-02-06. Review status: criteria provided, single submitter. Criteria: ACMG Guidelines, 2015. Collection method: clinical testing. Allele origin: germline.
Comment: The CPE c.785G>A variant is predicted to result in the amino acid substitution p.Arg262Gln. To our knowledge, this variant has not been reported in the literature. This variant is reported in 0.012% of alleles in individuals of African descent in gnomAD. At this time, the clinical significance of this variant is uncertain due to the absence of conclusive functional and genetic evidence.

NM_001873.4(CPE):c.785G>A (p.Arg262Gln)

Gene: CPE (carboxypeptidase E; plus strand). Cytogenetic location: 4q32.3.
Variant type: single nucleotide variant.
Coding change: c.785G>A on transcript NM_001873.4 (MANE Select); coding-DNA position 785, G replaced by A.
Protein change: p.Arg262Gln; replaces arginine 262 with glutamine.
Molecular consequence: missense variant.
Genome position (GRCh38, 1-based): chr4:165,482,354, G>A. VCF-style: chr4-165482354-G-A. GRCh37 (hg19) VCF-style: chr4-166403506-G-A.
Other names: c.785G>A (NM_001873.3); short protein forms R262Q.
Identifiers: ClinVar variation 4006159 (VCV004006159.2).
Genomic context (GRCh38, chr4:165,482,354, plus strand): 5'-TGCTTTCTGCCAATCTCCATGGAGGAGACCTTGTGGCCAATTATCCATATGATGAGACGC[G>A]GAGTGGTAGGTATTCTTTCTGCTTCTCTTATTGGTTCAAAGTTTATAACACTGTACAAGG-3'
Protein context (NP_001864.1, residues 252-272): LVANYPYDET[Arg262Gln]SGSAHEYSSS